The following is an entry in ClinVar:

NM_000059.4(BRCA2):c.6798T>G (p.Asn2266Lys)

Gene: BRCA2 (BRCA2 DNA repair associated; plus strand). Cytogenetic location: 13q13.1.
Variant type: single nucleotide variant.
Coding change: c.6798T>G on transcript NM_000059.4 (MANE Select); coding-DNA position 6798, T replaced by G.
Protein change: p.Asn2266Lys; replaces asparagine 2266 with lysine.
Molecular consequence: missense variant.
Genome position (GRCh38, 1-based): chr13:32,341,153, T>G. VCF-style: chr13-32341153-T-G. GRCh37 (hg19) VCF-style: chr13-32915290-T-G.
Other names: short protein forms N2266K.
Identifiers: ClinVar variation 1368156 (VCV001368156.9), dbSNP rs2137530753, ClinGen allele CA387791341.

ClinVar aggregate classification (germline): Conflicting classifications of pathogenicity. Review status: criteria provided, conflicting classifications (1 of 4 stars). 2 submissions from 2 submitters: Uncertain significance (1); Likely benign (1). Last evaluated 2023-03-23.

Conditions:
Hereditary cancer-predisposing syndrome. Also called: Neoplastic Syndromes, Hereditary; Tumor predisposition; Hereditary neoplastic syndrome; Hereditary Cancer Syndrome. Identifiers: Orphanet 140162, MedGen C0027672, MeSH D009386, MONDO:0015356.
Hereditary breast ovarian cancer syndrome. Also called: Hereditary breast and ovarian cancer; Hereditary breast and/or ovarian cancer syndrome; BRCA1- and BRCA2-Associated Hereditary Breast and Ovarian Cancer; Hereditary breast and ovarian cancer syndrome; Hereditary breast and ovarian cancer syndrome (HBOC); Breast and ovarian cancer. Identifiers: Orphanet 145, MedGen C0677776, MeSH D061325, MONDO:0003582. Disease mechanism: loss of function.

Submissions (2):

University of Washington Department of Laboratory Medicine, University of Washington
Classification: Likely benign for Hereditary cancer-predisposing syndrome. Last evaluated: 2023-03-23. Review status: criteria provided, single submitter. Criteria: Dines et al. (Genet Med. 2020). Collection method: curation. Allele origin: germline.
Comment: Missense variant in a coldspot region where missense variants are very unlikely to be pathogenic (PMID:31911673).

BRCA2 exon 11 coldspot. Reclassification based on statistical prior probability.

Labcorp Genetics (formerly Invitae), Labcorp
Classification: Uncertain significance for Hereditary breast ovarian cancer syndrome. Last evaluated: 2021-07-17. Review status: criteria provided, single submitter. Criteria: Invitae Variant Classification Sherloc (09022015). Collection method: clinical testing. Allele origin: germline.
Comment: In summary, the available evidence is currently insufficient to determine the role of this variant in disease. Therefore, it has been classified as a Variant of Uncertain Significance. Advanced modeling of protein sequence and biophysical properties (such as structural, functional, and spatial information, amino acid conservation, physicochemical variation, residue mobility, and thermodynamic stability) performed at Invitae indicates that this missense variant is not expected to disrupt BRCA2 protein function. This variant has not been reported in the literature in individuals affected with BRCA2-related conditions. This variant is not present in population databases (ExAC no frequency). This sequence change replaces asparagine with lysine at codon 2266 of the BRCA2 protein (p.Asn2266Lys). The asparagine residue is highly conserved and there is a moderate physicochemical difference between asparagine and lysine.